The following is an entry in ClinVar:

ClinVar aggregate classification (germline): Benign. Review status: criteria provided, multiple submitters, no conflicts (2 of 4 stars). 2 submissions from 2 submitters: Benign (2). Last evaluated 2025-09-01.

Allele frequency attached by ClinVar (database versions not stated): TOPMed below 0.00001; gnomAD 0.00001 and 0.00009; 1000 Genomes Project 0.00020; gnomAD exomes 0.00022 and 0.00050; 1000 Genomes Project 30x 0.00031; ExAC 0.00143.
gnomAD v4.1: 318 of 1,553,150 alleles (0.02%); highest among the groups gnomAD compares: South Asian, 0.31%; no homozygotes.

Submissions (2):

CeGaT Center for Human Genetics Tuebingen
Classification: Benign. Last evaluated: 2025-09-01. Review status: criteria provided, single submitter. Criteria: CeGaT Center For Human Genetics Tuebingen Variant Classification Criteria Version 2. Collection method: clinical testing. Allele origin: germline. Affected: yes. Observed: 1 variant allele.
Comment: MYT1L: BS1, BS2

GeneDx
Classification: Benign. Last evaluated: 2020-12-21. Review status: criteria provided, single submitter. Criteria: GeneDx Variant Classification Process June 2021. Collection method: clinical testing. Allele origin: germline. Affected: yes.

NM_001303052.2(MYT1L):c.259G>A (p.Val87Met)

Gene: MYT1L (myelin transcription factor 1 like; minus strand). Cytogenetic location: 2p25.3.
Variant type: single nucleotide variant.
Coding change: c.259G>A on transcript NM_001303052.2 (MANE Select); coding-DNA position 259, G replaced by A.
Protein change: p.Val87Met; replaces valine 87 with methionine.
Molecular consequence: missense variant.
Genome position (GRCh38, 1-based): chr2:1,943,228, C>T on the plus strand (G>A on the coding strand, the complement: MYT1L is on the minus strand). VCF-style: chr2-1943228-C-T. GRCh37 (hg19) VCF-style: chr2-1947000-C-T.
Other names: c.259G>A, p.Val87Met (NM_001329844.2, NM_001329845.1, NM_001329846.3 and 6 more transcripts); short protein forms V87M.
Identifiers: ClinVar variation 1180137 (VCV001180137.9), dbSNP rs539770858, ClinGen allele CA1514422.